The following is an entry in ClinVar:

NM_000302.4(PLOD1):c.530dup (p.Asp177fs)

Gene: PLOD1 (procollagen-lysine,2-oxoglutarate 5-dioxygenase 1; plus strand). Cytogenetic location: 1p36.22.
Variant type: Duplication.
Coding change: c.530dup on transcript NM_000302.4 (MANE Select); coding-DNA position 530, one base duplicated (A; older notation c.530dupA).
Protein change: p.Asp177fs; shifts the reading frame from aspartic acid 177.
Molecular consequence: frameshift variant.
Genome position (GRCh38, 1-based): chr1:11,952,686, A duplicated. VCF-style (leftmost placement, unchanged base first): chr1-11952685-G-GA. GRCh37 (hg19) VCF-style: chr1-12012742-G-GA.
Other names: c.671dup, p.Asp224fs (NM_001316320.2); short protein forms D177fs, D224fs.
Identifiers: ClinVar variation 4799151 (VCV004799151.1).

ClinVar aggregate classification (germline): Pathogenic (1 of 4 stars; one submission).

Conditions:
Ehlers-Danlos syndrome, kyphoscoliotic type 1 (EDSKSCL1). Also called: Ehlers-Danlos syndrome, hydroxylysine-deficient; PLOD1-Related Kyphoscoliotic Ehlers-Danlos Syndrome; EHLERS-DANLOS SYNDROME, OCULAR-SCOLIOTIC TYPE; EHLERS-DANLOS SYNDROME, TYPE VIA. Identifiers: Orphanet 1900, MedGen C0268342, MONDO:0016002, OMIM 225400. Disease mechanism: loss of function.

Submission:

Labcorp Genetics (formerly Invitae), Labcorp
Classification: Pathogenic for Ehlers-Danlos syndrome, kyphoscoliotic type 1. Last evaluated: 2025-11-01. Review status: criteria provided, single submitter. Criteria: Invitae Variant Classification Sherloc (09022015). Collection method: clinical testing. Allele origin: germline.
Comment: This sequence change creates a premature translational stop signal (p.Asp177Glufs*40) in the PLOD1 gene. It is expected to result in an absent or disrupted protein product. Loss-of-function variants in PLOD1 are known to be pathogenic (PMID: 10874315, 21699693). This variant is not present in population databases (gnomAD no frequency). This variant has not been reported in the literature in individuals affected with PLOD1-related conditions. For these reasons, this variant has been classified as Pathogenic.

Literature cited by the submitters: PubMed 10874315; PubMed 21699693.